The following is an entry in ClinVar:

ClinVar aggregate classification (germline): Likely benign (1 of 4 stars; one submission).

Allele frequency attached by ClinVar (database versions not stated): gnomAD exomes below 0.00001; TOPMed below 0.00001.
gnomAD v4.1: 2 of 1,585,194 alleles (0.00013%); highest among the groups gnomAD compares: Non-Finnish European, 0.00017%; no homozygotes.

Submission:

GeneDx
Classification: Likely benign. Last evaluated: 2017-12-27. Review status: criteria provided, single submitter. Criteria: GeneDx Variant Classification (06012015). Collection method: clinical testing. Allele origin: germline. Affected: yes.
Comment: This variant is considered likely benign or benign based on one or more of the following criteria: it is a conservative change, it occurs at a poorly conserved position in the protein, it is predicted to be benign by multiple in silico algorithms, and/or has population frequency not consistent with disease.

NM_000387.6(SLC25A20):c.417+13T>C

Gene: SLC25A20 (solute carrier family 25 member 20; minus strand). Cytogenetic location: 3p21.31.
Variant type: single nucleotide variant.
Coding change: c.417+13T>C on transcript NM_000387.6 (MANE Select); 13 bases into the intron after coding-DNA position 417, T replaced by C.
Molecular consequence: intron variant.
Genome position (GRCh38, 1-based): chr3:48,879,345, A>G on the plus strand (T>C on the coding strand, the complement: SLC25A20 is on the minus strand). VCF-style: chr3-48879345-A-G. GRCh37 (hg19) VCF-style: chr3-48916778-A-G.
Identifiers: ClinVar variation 514351 (VCV000514351.1), dbSNP rs921475888, ClinGen allele CA73991957.
Genomic context (GRCh38, chr3:48,879,345, plus strand): 5'-AAAGGACATAAACATGCACACGAAATTATAAACTGAAAGGAAAAAGCTATTTCCCCTCCA[A>G]TCACAACCTTACCTGTAATAAGCACTTGATCCGTTCTCCAGGAGTCATGATTCCTGTGGT-3'